The following is an entry in ClinVar:

NM_020638.3(FGF23):c.551A>G (p.Asp184Gly)

Gene: FGF23 (fibroblast growth factor 23; minus strand). Cytogenetic location: 12p13.32.
Variant type: single nucleotide variant.
Coding change: c.551A>G on transcript NM_020638.3 (MANE Select); coding-DNA position 551, A replaced by G.
Protein change: p.Asp184Gly; replaces aspartic acid 184 with glycine.
Molecular consequence: missense variant.
Genome position (GRCh38, 1-based): chr12:4,370,548, T>C on the plus strand (A>G on the coding strand, the complement: FGF23 is on the minus strand). VCF-style: chr12-4370548-T-C. GRCh37 (hg19) VCF-style: chr12-4479714-T-C.
Other names: short protein forms D184G.
Identifiers: ClinVar variation 308805 (VCV000308805.20), dbSNP rs144925325, ClinGen allele CA6395655.

ClinVar aggregate classification (germline): Conflicting classifications of pathogenicity. Review status: criteria provided, conflicting classifications (1 of 4 stars). 7 submissions from 6 submitters: Uncertain significance (6); Benign (1). Last evaluated 2025-10-03.

Conditions:
FGF23-related disorder. Also called: FGF23-related condition.
Autosomal dominant hypophosphatemic rickets (ADHR). Also called: HYPOPHOSPHATEMIA, AUTOSOMAL DOMINANT; VITAMIN D-RESISTANT RICKETS, AUTOSOMAL DOMINANT. Identifiers: Orphanet 89937, MedGen C0342642, MONDO:0008660, OMIM 193100.
Tumoral calcinosis, hyperphosphatemic, familial, 2. Identifiers: MedGen C4693863, MONDO:0060714, OMIM 617993.

Allele frequency attached by ClinVar (database versions not stated): 1000 Genomes Project 30x 0.00016; TOPMed 0.00016; ExAC 0.00017; gnomAD 0.00019; 1000 Genomes Project 0.00020; gnomAD exomes 0.00023; ESP Exome Variant Server 0.00054.

Submissions (7):

Rare Kidney Stone Consortium and the Mayo Clinic Hyperoxaluria Center, Mayo Clinic
Classification: Uncertain significance for Autosomal dominant hypophosphatemic rickets; Tumoral calcinosis, hyperphosphatemic, familial, 2. Last evaluated: 2025-10-03. Review status: criteria provided, single submitter. Criteria: ACMG Guidelines, 2015. Collection method: research. Allele origin: germline. Observed: 1 variant allele.
Comment: ACMG:PM1, PM2, PP2

CeGaT Center for Human Genetics Tuebingen
Classification: Uncertain significance. Last evaluated: 2025-09-01. Review status: criteria provided, single submitter. Criteria: CeGaT Center For Human Genetics Tuebingen Variant Classification Criteria Version 2. Collection method: clinical testing. Allele origin: germline. Affected: yes. Observed: 1 variant allele.
Comment: FGF23: PM2, BP4

PreventionGenetics, part of Exact Sciences
Classification: Uncertain significance for FGF23-related condition. Last evaluated: 2025-06-20. Review status: criteria provided, single submitter. Criteria: ACMG Guidelines, 2015. Collection method: clinical testing. Allele origin: germline.
Comment: The FGF23 c.551A>G variant is predicted to result in the amino acid substitution p.Asp184Gly. This variant has been reported as uncertain in an individual with X-linked hypophosphataemia (Table S2, Rush et al. 2022. PubMed ID: 34633109). This variant is reported in 0.056% of alleles in individuals of European (Finnish) descent in gnomAD. Although we suspect that this variant may be benign, at this time, the clinical significance of this variant is uncertain due to the absence of conclusive functional and genetic evidence.

Labcorp Genetics (formerly Invitae), Labcorp
Classification: Uncertain significance. Last evaluated: 2025-02-13. Review status: criteria provided, single submitter. Criteria: Invitae Variant Classification Sherloc (09022015). Collection method: clinical testing. Allele origin: germline.
Comment: This sequence change replaces aspartic acid, which is acidic and polar, with glycine, which is neutral and non-polar, at codon 184 of the FGF23 protein (p.Asp184Gly). This variant is present in population databases (rs144925325, gnomAD 0.05%). This variant has not been reported in the literature in individuals affected with FGF23-related conditions. ClinVar contains an entry for this variant (Variation ID: 308805). Invitae Evidence Modeling of protein sequence and biophysical properties (such as structural, functional, and spatial information, amino acid conservation, physicochemical variation, residue mobility, and thermodynamic stability) indicates that this missense variant is not expected to disrupt FGF23 protein function with a negative predictive value of 95%. In summary, the available evidence is currently insufficient to determine the role of this variant in disease. Therefore, it has been classified as a Variant of Uncertain Significance.

Fulgent Genetics
Classification: Uncertain significance for Autosomal dominant hypophosphatemic rickets; Tumoral calcinosis, hyperphosphatemic, familial, 2. Last evaluated: 2024-04-19. Review status: criteria provided, single submitter. Criteria: ACMG Guidelines, 2015. Collection method: clinical testing. Allele origin: germline.

Illumina Laboratory Services, Illumina
Classification: Benign for Autosomal dominant hypophosphatemic rickets. Last evaluated: 2018-01-13. Review status: criteria provided, single submitter. Criteria: ICSL Variant Classification Criteria 13 December 2019. Collection method: clinical testing. Allele origin: germline.
Comment: This variant was observed in the ICSL laboratory as part of a predisposition screen in an ostensibly healthy population. It had not been previously curated by ICSL or reported in the Human Gene Mutation Database (HGMD: prior to June 1st, 2018), and was therefore a candidate for classification through an automated scoring system. Utilizing variant allele frequency, disease prevalence and penetrance estimates, and inheritance mode, an automated score was calculated to assess if this variant is too frequent to cause the disease. Based on the score and internal cut-off values, a variant classified as benign is not then subjected to further curation. The score for this variant resulted in a classification of benign for this disease.

Illumina Laboratory Services, Illumina
Classification: Uncertain significance for Tumoral calcinosis, hyperphosphatemic, familial, 2. Last evaluated: 2018-01-13. Review status: criteria provided, single submitter. Criteria: ICSL Variant Classification Criteria 13 December 2019. Collection method: clinical testing. Allele origin: germline.

Literature cited by the submitters: PubMed 34633109 (cited by Rare Kidney Stone Consortium and the Mayo Clinic Hyperoxaluria Center, Mayo Clinic); PubMed 40794449 (cited by Rare Kidney Stone Consortium and the Mayo Clinic Hyperoxaluria Center, Mayo Clinic).